The following is an entry in ClinVar:

ClinVar aggregate classification (germline): Uncertain significance (1 of 4 stars; one submission).

Conditions:
Amyloidosis, hereditary systemic 1 (AMYLD1). Also called: AMYLOID CARDIOMYOPATHY; Hereditary oculoleptomeningeal amyloid angiopathy; Familial Transthyretin Amyloidosis; Hereditary Transthyretin Amyloidosis; Familial amyloid polyneuropathy; Transthyretin Amyloidosis. Identifiers: Orphanet 85447, Orphanet 85451, MedGen C2751492, MONDO:0971004, OMIM 105210.

Allele frequency attached by ClinVar (database versions not stated): gnomAD exomes below 0.00001.
gnomAD v4.1: 1 of 1,614,152 alleles (0.000062%); highest among the groups gnomAD compares: South Asian, 0.0011%; no homozygotes.

Submission:

Labcorp Genetics (formerly Invitae), Labcorp
Classification: Uncertain significance for Amyloidosis, hereditary systemic 1. Last evaluated: 2022-07-22. Review status: criteria provided, single submitter. Criteria: Invitae Variant Classification Sherloc (09022015). Collection method: clinical testing. Allele origin: germline.
Comment: In summary, the available evidence is currently insufficient to determine the role of this variant in disease. Therefore, it has been classified as a Variant of Uncertain Significance. This sequence change replaces proline, which is neutral and non-polar, with alanine, which is neutral and non-polar, at codon 106 of the TTR protein (p.Pro106Ala). This variant is not present in population databases (gnomAD no frequency). This variant has not been reported in the literature in individuals affected with TTR-related conditions. Algorithms developed to predict the effect of missense changes on protein structure and function output the following: SIFT: "Not Available"; PolyPhen-2: "Benign"; Align-GVGD: "Not Available". The alanine amino acid residue is found in multiple mammalian species, which suggests that this missense change does not adversely affect protein function.

NM_000371.4(TTR):c.316C>G (p.Pro106Ala)

Gene: TTR (transthyretin; plus strand). Cytogenetic location: 18q12.1.
Variant type: single nucleotide variant.
Coding change: c.316C>G on transcript NM_000371.4 (MANE Select); coding-DNA position 316, C replaced by G.
Protein change: p.Pro106Ala; replaces proline 106 with alanine.
Molecular consequence: missense variant.
Genome position (GRCh38, 1-based): chr18:31,595,235, C>G. VCF-style: chr18-31595235-C-G. GRCh37 (hg19) VCF-style: chr18-29175198-C-G.
Other names: short protein forms P106A.
Identifiers: ClinVar variation 1713323 (VCV001713323.5), dbSNP rs2510933077, ClinGen allele CA402157120.